The following is an entry in ClinVar:

ClinVar aggregate classification (germline): Uncertain significance (1 of 4 stars; one submission).

Submission:

Labcorp Genetics (formerly Invitae), Labcorp
Classification: Uncertain significance. Last evaluated: 2025-08-21. Review status: criteria provided, single submitter. Criteria: Invitae Variant Classification Sherloc (09022015). Collection method: clinical testing. Allele origin: germline.
Comment: This variant, c.82_90del, results in the deletion of 3 amino acid(s) of the CNNM4 protein (p.Val28_Leu30del), but otherwise preserves the integrity of the reading frame. This variant is not present in population databases (gnomAD no frequency). This variant has not been reported in the literature in individuals affected with CNNM4-related conditions. ClinVar contains an entry for this variant (Variation ID: 964838). Experimental studies and prediction algorithms are not available or were not evaluated, and the functional significance of this variant is currently unknown. In summary, the available evidence is currently insufficient to determine the role of this variant in disease. Therefore, it has been classified as a Variant of Uncertain Significance.

NM_020184.4(CNNM4):c.73GTGCTGCTG[1] (p.25VLL[1])

Gene: CNNM4 (cyclin and CBS domain divalent metal cation transport mediator 4; plus strand). Cytogenetic location: 2q11.2.
Variant type: Microsatellite.
Coding change: c.73GTGCTGCTG[1] on transcript NM_020184.4 (MANE Select); one copy of the 9-base unit GTGCTGCTG starting at c.73; the reference has two copies in a row; one copy, 9 bases deleted.
Protein change: p.25VLL[1].
Molecular consequence: inframe deletion.
Genome position (GRCh38, 1-based): chr2:96,761,081-96,761,089, GTGCTGCTG deleted; deleting any 9 consecutive bases within chr2:96,761,071-96,761,089 gives the same sequence; the position shown is the placement nearest the transcript's 3' end. VCF-style (leftmost placement, unchanged base first): chr2-96761070-CGGTGCTGCT-C. GRCh37 (hg19) VCF-style: chr2-97426807-CGGTGCTGCT-C.
Identifiers: ClinVar variation 964838 (VCV000964838.8), dbSNP rs753162335, ClinGen allele CA895820600.
Genomic context (GRCh38, chr2:96,761,070, plus strand): 5'-TGGGCGGGGGCGGGCGCCCGGTCGGCGGACCGGCCCGCGGGCGCCTCCTCCTGGCGGCGC[CGGTGCTGCT>C]GGTGCTGCTGTGGGCGCTGGGGGCCCGGGGCCAGGGCAGCCCCCAGCAGGGCACGATCGT-3'